The following is an entry in ClinVar:

NM_001044385.3(TMEM237):c.98G>A (p.Arg33His)

Gene: TMEM237 (transmembrane protein 237; minus strand). Cytogenetic location: 2q33.1.
Variant type: single nucleotide variant.
Coding change: c.98G>A on transcript NM_001044385.3 (MANE Select); coding-DNA position 98, G replaced by A.
Protein change: p.Arg33His; replaces arginine 33 with histidine.
Molecular consequence: missense variant.
Genome position (GRCh38, 1-based): chr2:201,639,027, C>T on the plus strand (G>A on the coding strand, the complement: TMEM237 is on the minus strand). VCF-style: chr2-201639027-C-T. GRCh37 (hg19) VCF-style: chr2-202503750-C-T.
Other names: c.74G>A, p.Arg25His (NM_152388.4); short protein forms R33H, R25H.
Identifiers: ClinVar variation 839846 (VCV000839846.8), dbSNP rs576586379, ClinGen allele CA2056582.

ClinVar aggregate classification (germline): Conflicting classifications of pathogenicity. Review status: criteria provided, conflicting classifications (1 of 4 stars). 4 submissions from 4 submitters: Uncertain significance (3); Likely benign (1). Last evaluated 2026-07-01.

Conditions:
Joubert syndrome 14 (JBTS14). Identifiers: MedGen C3280766, MONDO:0013745, OMIM 614424.

Allele frequency attached by ClinVar (database versions not stated): gnomAD 0.00001 and 0.00002; gnomAD exomes 0.00003 and 0.00005; TOPMed 0.00004; ExAC 0.00009; 1000 Genomes Project 30x 0.00016; 1000 Genomes Project 0.00020.
gnomAD v4.1: 46 of 1,582,000 alleles (0.0029%); highest among the groups gnomAD compares: South Asian, 0.0058%; no homozygotes.

Submissions (4):

CeGaT Center for Human Genetics Tuebingen
Classification: Likely benign. Last evaluated: 2026-07-01. Review status: criteria provided, single submitter. Criteria: CeGaT Center For Human Genetics Tuebingen Variant Classification Criteria Version 2. Collection method: clinical testing. Allele origin: germline. Affected: yes. Observed: 1 variant allele.
Comment: TMEM237: BP4

Labcorp Genetics (formerly Invitae), Labcorp
Classification: Uncertain significance for Joubert syndrome 14. Last evaluated: 2024-12-09. Review status: criteria provided, single submitter. Criteria: Invitae Variant Classification Sherloc (09022015). Collection method: clinical testing. Allele origin: germline.
Comment: This sequence change replaces arginine, which is basic and polar, with histidine, which is basic and polar, at codon 33 of the TMEM237 protein (p.Arg33His). This variant is present in population databases (rs576586379, gnomAD 0.009%). This variant has not been reported in the literature in individuals affected with TMEM237-related conditions. ClinVar contains an entry for this variant (Variation ID: 839846). An algorithm developed to predict the effect of missense changes on protein structure and function outputs the following: PolyPhen-2: "Benign". The histidine amino acid residue is found in multiple mammalian species, which suggests that this missense change does not adversely affect protein function. In summary, the available evidence is currently insufficient to determine the role of this variant in disease. Therefore, it has been classified as a Variant of Uncertain Significance.

Fulgent Genetics
Classification: Uncertain significance for Joubert syndrome 14. Last evaluated: 2023-12-29. Review status: criteria provided, single submitter. Criteria: ACMG Guidelines, 2015. Collection method: clinical testing. Allele origin: germline.

GeneDx
Classification: Uncertain significance. Last evaluated: 2023-02-16. Review status: criteria provided, single submitter. Criteria: GeneDx Variant Classification Process June 2021. Collection method: clinical testing. Allele origin: germline. Affected: yes.
Comment: Not observed at a significant frequency in large population cohorts (gnomAD); In silico analysis supports that this missense variant does not alter protein structure/function; Has not been previously published as pathogenic or benign to our knowledge